The following is an entry in ClinVar:

ClinVar aggregate classification (germline): Uncertain significance. Review status: criteria provided, multiple submitters, no conflicts (2 of 4 stars). 2 submissions from 2 submitters: Uncertain significance (2). Last evaluated 2025-12-10.

Conditions:
Inborn genetic diseases. Identifiers: MedGen C0950123, MeSH D030342.

Allele frequency attached by ClinVar (database versions not stated): TOPMed 0.00005; ExAC 0.00005; gnomAD 0.00002; gnomAD exomes 0.00003.
gnomAD v4.1: 22 of 1,611,442 alleles (0.0014%); highest among the groups gnomAD compares: Admixed American, 0.037%; no homozygotes.

Submissions (2):

Ambry Genetics
Classification: Uncertain significance for Inborn genetic diseases. Last evaluated: 2025-12-10. Review status: criteria provided, single submitter. Criteria: Ambry Variant Classification Scheme 2023. Collection method: clinical testing. Allele origin: germline.

Labcorp Genetics (formerly Invitae), Labcorp
Classification: Uncertain significance. Last evaluated: 2022-07-03. Review status: criteria provided, single submitter. Criteria: Invitae Variant Classification Sherloc (09022015). Collection method: clinical testing. Allele origin: germline.
Comment: This sequence change replaces valine, which is neutral and non-polar, with phenylalanine, which is neutral and non-polar, at codon 3841 of the HERC1 protein (p.Val3841Phe). This variant is present in population databases (rs767105588, gnomAD 0.05%). This variant has not been reported in the literature in individuals affected with HERC1-related conditions. Algorithms developed to predict the effect of missense changes on protein structure and function are either unavailable or do not agree on the potential impact of this missense change (SIFT: "Deleterious"; PolyPhen-2: "Benign"; Align-GVGD: "Class C0"). In summary, the available evidence is currently insufficient to determine the role of this variant in disease. Therefore, it has been classified as a Variant of Uncertain Significance.

NM_003922.4(HERC1):c.11521G>T (p.Val3841Phe)

Gene: HERC1 (HECT and RLD domain containing E3 ubiquitin protein ligase family member 1; minus strand). Cytogenetic location: 15q22.31.
Variant type: single nucleotide variant.
Coding change: c.11521G>T on transcript NM_003922.4 (MANE Select); coding-DNA position 11521, G replaced by T.
Protein change: p.Val3841Phe; replaces valine 3841 with phenylalanine.
Molecular consequence: missense variant.
Genome position (GRCh38, 1-based): chr15:63,641,556, C>A on the plus strand (G>T on the coding strand, the complement: HERC1 is on the minus strand). VCF-style: chr15-63641556-C-A. GRCh37 (hg19) VCF-style: chr15-63933755-C-A.
Other names: c.11521G>T (NM_003922.3); short protein forms V3841F.
Identifiers: ClinVar variation 2193316 (VCV002193316.3), dbSNP rs767105588, ClinGen allele CA7604211.